The following is an entry in ClinVar:

ClinVar aggregate classification (germline): Uncertain significance (1 of 4 stars; one submission).

Submission:

Labcorp Genetics (formerly Invitae), Labcorp
Classification: Uncertain significance. Last evaluated: 2023-06-23. Review status: criteria provided, single submitter. Criteria: Invitae Variant Classification Sherloc (09022015). Collection method: clinical testing. Allele origin: germline.
Comment: Algorithms developed to predict the effect of sequence changes on RNA splicing suggest that this variant may disrupt the consensus splice site. Experimental studies and prediction algorithms are not available or were not evaluated, and the functional significance of this variant is currently unknown. This variant has not been reported in the literature in individuals affected with SRP72-related conditions. In summary, the available evidence is currently insufficient to determine the role of this variant in disease. Therefore, it has been classified as a Variant of Uncertain Significance. The frequency data for this variant in the population databases is considered unreliable, as metrics indicate poor data quality at this position in the gnomAD database. This variant, c.1662_1670del, results in the deletion of 3 amino acid(s) of the SRP72 protein (p.Lys557_Lys559del), but otherwise preserves the integrity of the reading frame.

NM_006947.4(SRP72):c.1653GAAAAAGAA[1] (p.Lys557_Lys559del)

Gene: SRP72 (signal recognition particle 72; plus strand). Cytogenetic location: 4q12.
Variant type: Microsatellite.
Coding change: c.1653GAAAAAGAA[1] on transcript NM_006947.4 (MANE Select); one copy of the 9-base unit GAAAAAGAA starting at c.1653; the reference has two copies in a row; one copy, 9 bases deleted.
Protein change: p.Lys557_Lys559del.
Molecular consequence: inframe deletion. On other transcripts: non-coding transcript variant (1).
Genome position (GRCh38, 1-based): chr4:56,495,378-56,495,386, GAAAAAGAA deleted; deleting any 9 consecutive bases within chr4:56,495,369-56,495,386 gives the same sequence; the position shown is the placement nearest the transcript's 3' end. VCF-style (leftmost placement, unchanged base first): chr4-56495368-TGAAAAAGAA-T. GRCh37 (hg19) VCF-style: chr4-57361534-TGAAAAAGAA-T.
Other names: c.1470GAAAAAGAA[1], p.Lys496_Lys498del (NM_001267722.2).
Identifiers: ClinVar variation 2801178 (VCV002801178.3), dbSNP rs1456144361, ClinGen allele CA551769424.
Genomic context (GRCh38, chr4:56,495,368, plus strand): 5'-ATAAATATTTTATCACAAAGATGGTAATGATTTTTTTTTCTCTTTGTAGACAGGGAGATT[TGAAAAAGAA>T]GAAAAAGAAAAAGAAGGGTAAGGCATTAAAAAAGTCTTTATAAATTTTCTCCAAAATAAA-3'